The following is an entry in ClinVar:

ClinVar aggregate classification (germline): Uncertain significance (1 of 4 stars; one submission).

Submission:

Labcorp Genetics (formerly Invitae), Labcorp
Classification: Uncertain significance. Last evaluated: 2022-10-13. Review status: criteria provided, single submitter. Criteria: Invitae Variant Classification Sherloc (09022015). Collection method: clinical testing. Allele origin: germline.
Comment: In summary, the available evidence is currently insufficient to determine the role of this variant in disease. Therefore, it has been classified as a Variant of Uncertain Significance. Advanced modeling of protein sequence and biophysical properties (such as structural, functional, and spatial information, amino acid conservation, physicochemical variation, residue mobility, and thermodynamic stability) performed at Invitae indicates that this missense variant is not expected to disrupt MFSD2A protein function. This variant has not been reported in the literature in individuals affected with MFSD2A-related conditions. This variant is not present in population databases (gnomAD no frequency). This sequence change replaces alanine, which is neutral and non-polar, with serine, which is neutral and polar, at codon 353 of the MFSD2A protein (p.Ala353Ser).

NM_032793.5(MFSD2A):c.1018G>T (p.Ala340Ser)

Gene: MFSD2A (MFSD2 lysolipid transporter A, lysophospholipid; plus strand). Cytogenetic location: 1p34.2.
Variant type: single nucleotide variant.
Coding change: c.1018G>T on transcript NM_032793.5 (MANE Select); coding-DNA position 1018, G replaced by T.
Protein change: p.Ala340Ser; replaces alanine 340 with serine.
Molecular consequence: missense variant. On other transcripts: intron variant (1).
Genome position (GRCh38, 1-based): chr1:39,967,634, G>T. VCF-style: chr1-39967634-G-T. GRCh37 (hg19) VCF-style: chr1-40433306-G-T.
Other names: c.1057G>T, p.Ala353Ser (NM_001136493.3); c.550G>T, p.Ala184Ser (NM_001287808.2); c.901G>T, p.Ala301Ser (NM_001287809.2); c.1012G>T, p.Ala338Ser (NM_001349821.2); c.673G>T, p.Ala225Ser (NM_001349823.2); c.1012-170G>T (NM_001349822.2); short protein forms A184S, A225S, A301S, A338S, A340S, A353S.
Identifiers: ClinVar variation 1721431 (VCV001721431.5), dbSNP rs2124780177, ClinGen allele CA339837742.